The following is an entry in ClinVar:

ClinVar aggregate classification (germline): Pathogenic/Likely pathogenic. Review status: criteria provided, multiple submitters, no conflicts (2 of 4 stars). 3 submissions from 3 submitters: Pathogenic (1); Likely pathogenic (2). Last evaluated 2026-08-11.

Conditions:
FZD4-related disorder. Also called: FZD4-related condition.

Submissions (3):

PreventionGenetics, part of Exact Sciences
Classification: Likely pathogenic for FZD4-related condition. Last evaluated: 2026-08-11. Review status: criteria provided, single submitter. Criteria: ACMG Guidelines, 2015. Collection method: clinical testing. Allele origin: germline.
Comment: The FZD4 c.341T>C variant is predicted to result in the amino acid substitution p.Ile114Thr. This variant has been reported in individuals with familial exudative vitreoretinopathy (Robitaille et al. 2009. PubMed ID: 19172507; Tao et al. 2021. PubMed ID: 34860240; Lu et al. 2022. PubMed ID: 35394490). Alternate substitutions of this same amino acid reside (p.Ile114Ser and p.Ile114Asn) have also been reported in individuals with familial exudative vitreoretinopathy (Musada et al. 2016. PubMed ID: 27316669; Li et al. 2018. PubMed ID: 30452590). This missense variant is predicted to be damaging to the encoded protein (REVEL score >0.773, Ioannidis et al. 2016. PubMed ID: 27666373). This variant is absent in a large population database (gnomAD), indicating this variant is rare. This variant is interpreted as likely pathogenic.

Labcorp Genetics (formerly Invitae), Labcorp
Classification: Pathogenic. Last evaluated: 2024-02-02. Review status: criteria provided, single submitter. Criteria: Invitae Variant Classification Sherloc (09022015). Collection method: clinical testing. Allele origin: germline.
Comment: This sequence change replaces isoleucine, which is neutral and non-polar, with threonine, which is neutral and polar, at codon 114 of the FZD4 protein (p.Ile114Thr). This variant is not present in population databases (gnomAD no frequency). This missense change has been observed in individuals with familial exudative vitreoretinopathy (PMID: 4860240, 19172507, 35394490; Invitae). ClinVar contains an entry for this variant (Variation ID: 1506463). Advanced modeling of protein sequence and biophysical properties (such as structural, functional, and spatial information, amino acid conservation, physicochemical variation, residue mobility, and thermodynamic stability) performed at Invitae indicates that this missense variant is not expected to disrupt FZD4 protein function with a negative predictive value of 80%. This variant disrupts the p.Ile114 amino acid residue in FZD4. Other variant(s) that disrupt this residue have been determined to be pathogenic (PMID: 27316669, 30452590; Invitae). This suggests that this residue is clinically significant, and that variants that disrupt this residue are likely to be disease-causing. For these reasons, this variant has been classified as Pathogenic.

Blueprint Genetics
Classification: Likely pathogenic for FZD4-related disorders. Last evaluated: 2023-12-05. Review status: criteria provided, single submitter. Criteria: ACMG Guidelines, 2015. Collection method: clinical testing. Allele origin: germline. Affected: yes. Observed: 1 variant allele.

Literature cited by the submitters: PubMed 4860240 (cited by Labcorp Genetics (formerly Invitae), Labcorp); PubMed 19172507 (cited by Labcorp Genetics (formerly Invitae), Labcorp); PubMed 35394490 (cited by Labcorp Genetics (formerly Invitae), Labcorp); PubMed 27316669 (cited by Labcorp Genetics (formerly Invitae), Labcorp); PubMed 30452590 (cited by Labcorp Genetics (formerly Invitae), Labcorp).

NM_012193.4(FZD4):c.341T>C (p.Ile114Thr)

Genes: FZD4 (frizzled class receptor 4; minus strand), PRSS23 (serine protease 23; plus strand). Cytogenetic location: 11q14.2.
Variant type: single nucleotide variant.
Coding change: c.341T>C on transcript NM_012193.4 (MANE Select); coding-DNA position 341, T replaced by C.
Protein change: p.Ile114Thr; replaces isoleucine 114 with threonine.
Molecular consequence: missense variant. On other transcripts: non-coding transcript variant (2).
Genome position (GRCh38, 1-based): chr11:86,952,415, A>G on the plus strand (T>C on the coding strand, the complement: FZD4 is on the minus strand). VCF-style: chr11-86952415-A-G. GRCh37 (hg19) VCF-style: chr11-86663457-A-G.
Other names: c.341T>C (NM_012193.3); short protein forms I114T.
Identifiers: ClinVar variation 1506463 (VCV001506463.10), dbSNP rs2135041940, ClinGen allele CA382017159.
Genomic context (GRCh38, chr11:86,952,415, plus strand): 5'-TCCTTCAGGACGGGTTCACAGCGTCTCTTGACTGAAAGACACATGCCGCCGCATGGGCCA[A>G]TGGGGATGTTGATCTTCTCTGTGCACATTGGCACATAAACAGAACAAAGGAAGAACTGGA-3'
Protein context (NP_036325.2, residues 104-124): PMCTEKINIP[Ile114Thr]GPCGGMCLSV